The following is an entry in ClinVar:

ClinVar aggregate classification (germline): Uncertain significance (1 of 4 stars; one submission).

Submission:

Women's Health and Genetics/Laboratory Corporation of America, LabCorp
Classification: Uncertain significance. Last evaluated: 2026-06-19. Review status: criteria provided, single submitter. Criteria: LabCorp Variant Classification Summary - May 2015. Collection method: clinical testing. Allele origin: germline.
Comment: Variant summary: JARID2 c.3232C>T (p.Leu1078Phe) results in a non-conservative amino acid change in the encoded protein sequence. Algorithms developed to predict the effect of missense changes on protein structure and function all suggest that this variant is likely to be disruptive. The variant was absent in 251472 control chromosomes. The available data on variant occurrences in the general population are insufficient to allow any conclusion about variant significance. To our knowledge, no occurrence of c.3232C>T in individuals affected with JARID2-related conditions and no experimental evidence demonstrating its impact on protein function have been reported. No submitters have cited clinical-significance assessments for this variant to ClinVar. Based on the evidence outlined above, the variant was classified as uncertain significance.

NM_004973.4(JARID2):c.3232C>T (p.Leu1078Phe)

Gene: JARID2 (jumonji and AT-rich interaction domain containing 2; plus strand). Cytogenetic location: 6p22.3.
Variant type: single nucleotide variant.
Coding change: c.3232C>T on transcript NM_004973.4 (MANE Select); coding-DNA position 3232, C replaced by T.
Protein change: p.Leu1078Phe; replaces leucine 1078 with phenylalanine.
Molecular consequence: missense variant.
Genome position (GRCh38, 1-based): chr6:15,513,011, C>T. VCF-style: chr6-15513011-C-T. GRCh37 (hg19) VCF-style: chr6-15513242-C-T.
Other names: c.2716C>T, p.Leu906Phe (NM_001267040.1); short protein forms L1078F, L906F.
Identifiers: ClinVar variation 4887115 (VCV004887115.1).